The following is an entry in ClinVar:

NM_001267550.2(TTN):c.72824A>T (p.Lys24275Ile)

Genes: TTN-AS1 (TTN antisense RNA 1; plus strand), TTN (titin; minus strand). Cytogenetic location: 2q31.2.
Variant type: single nucleotide variant.
Coding change: c.72824A>T on transcript NM_001267550.2 (MANE Select); coding-DNA position 72824, A replaced by T.
Protein change: p.Lys24275Ile; replaces lysine 24275 with isoleucine.
Molecular consequence: missense variant.
Genome position (GRCh38, 1-based): chr2:178,573,308, T>A on the plus strand (A>T on the coding strand, the complement: TTN is on the minus strand). VCF-style: chr2-178573308-T-A. GRCh37 (hg19) VCF-style: chr2-179438035-T-A.
Other names: p.K22634I:AAA>ATA; c.67901A>T, p.Lys22634Ile (NM_001256850.1); c.45629A>T, p.Lys15210Ile (NM_003319.4); c.65120A>T, p.Lys21707Ile (NM_133378.4); c.46004A>T, p.Lys15335Ile (NM_133432.3); c.46205A>T, p.Lys15402Ile (NM_133437.4); short protein forms K22634I, K24275I, K15210I, K21707I, K15335I, K15402I.
Identifiers: ClinVar variation 202844 (VCV000202844.48), dbSNP rs199860952, ClinGen allele CA310460.

ClinVar aggregate classification (germline): Conflicting classifications of pathogenicity. Review status: criteria provided, conflicting classifications (1 of 4 stars). 12 submissions from 12 submitters: Uncertain significance (7); Likely benign (2). 3 of the submissions do not count toward it. Last evaluated 2026-05-14.

Conditions:
TTN-related disorder. Also called: TTN-related condition; TTN-related disease; TTN-related disorders.
Cardiovascular phenotype. Identifiers: MedGen CN230736.
Autosomal recessive limb-girdle muscular dystrophy type 2J (LGMDR10). Also called: Limb-girdle muscular dystrophy, type 2J; MUSCULAR DYSTROPHY, LIMB-GIRDLE, AUTOSOMAL RECESSIVE 10. Identifiers: Orphanet 140922, MedGen C1837342, MONDO:0012127, OMIM 608807.
Dilated cardiomyopathy 1G (CMD1G). Identifiers: Orphanet 154, MedGen C1858763, MONDO:0011400, OMIM 604145.

Allele frequency attached by ClinVar (database versions not stated): ExAC 0.00004; gnomAD exomes 0.00005 and 0.00014; gnomAD 0.00007; TOPMed 0.00007.
gnomAD v4.1: 199 of 1,576,360 alleles (0.013%); highest among the groups gnomAD compares: Non-Finnish European, 0.016%; no homozygotes.

Submissions (12):

PreventionGenetics, part of Exact Sciences
Classification: Uncertain significance for TTN-related condition. Last evaluated: 2026-05-14. Review status: criteria provided, single submitter. Criteria: ACMG Guidelines, 2015. Collection method: clinical testing. Allele origin: germline.
Comment: The TTN c.72824A>T variant is predicted to result in the amino acid substitution p.Lys24275Ile. This variant has been reported in two individuals with dilated cardiomyopathy; however, one of these individuals also carried a pathogenic variant in BAG3 (Minoche et al. 2018. PubMed ID: 29961767; Table S3, Mazzarotto et al. 2020. PubMed ID: 31983221). It has also been reported in two individuals with hypertrophic cardiomyopathy (referred to as NM_003319:c.45629A>T (p.Lys15210Ile) in Table S1, Lopes et al. 2013, PubMed ID: 23396983). This variant is reported in 0.010% of alleles in individuals of European (Finnish) descent in gnomAD. Although we suspect that this variant may be benign, at this time, the clinical significance of this variant is uncertain due to the absence of conclusive functional and genetic evidence.

Blueprint Genetics
Classification: Uncertain significance. Last evaluated: 2024-09-11. Review status: criteria provided, single submitter. Criteria: ACMG Guidelines, 2015. Collection method: clinical testing. Allele origin: germline.

Women's Health and Genetics/Laboratory Corporation of America, LabCorp
Classification: Uncertain significance. Last evaluated: 2024-07-18. Review status: criteria provided, single submitter. Criteria: LabCorp Variant Classification Summary - May 2015. Collection method: clinical testing. Allele origin: germline.
Comment: Variant summary: TTN c.65120A>T (p.Lys21707Ile) results in a non-conservative amino acid change located in the A-band region of the encoded protein sequence. Three of five in-silico tools predict a benign effect of the variant on protein function. The variant allele was found at a frequency of 4.6e-05 in 218654 control chromosomes. This frequency is not significantly higher than estimated for a pathogenic variant in TTN causing Cardiomyopathy, allowing no conclusion about variant significance. c.65120A>T has been reported in the literature in individuals affected with Dilated or Hypertrophic Cardiomyopathy (Mazzarotto_2020, Minoche_2019, Lopes_2013). These report(s) do not provide unequivocal conclusions about association of the variant with Cardiomyopathy. To our knowledge, no experimental evidence demonstrating an impact on protein function has been reported. The following publications have been ascertained in the context of this evaluation (PMID: 23396983, 31983221, 29961767). ClinVar contains an entry for this variant (Variation ID: 202844). Based on the evidence outlined above, the variant was classified as uncertain significance.

CeGaT Center for Human Genetics Tuebingen
Classification: Uncertain significance. Last evaluated: 2024-06-01. Review status: criteria provided, single submitter. Criteria: CeGaT Center For Human Genetics Tuebingen Variant Classification Criteria Version 2. Collection method: clinical testing. Allele origin: germline. Affected: yes. Observed: 2 variant alleles.
Comment: TTN: PM2, BP4

Revvity Omics, Revvity
Classification: Uncertain significance. Last evaluated: 2023-06-15. Review status: criteria provided, single submitter. Criteria: ACMG Guidelines, 2015. Collection method: clinical testing. Allele origin: germline.

GeneDx
Classification: Likely benign. Last evaluated: 2020-11-06. Review status: criteria provided, single submitter. Criteria: GeneDx Variant Classification Process June 2021. Collection method: clinical testing. Allele origin: germline. Affected: yes.
Comment: This variant is associated with the following publications: (PMID: 23396983, 31983221)

Ambry Genetics
Classification: Likely benign for Cardiovascular phenotype. Last evaluated: 2020-09-04. Review status: criteria provided, single submitter. Criteria: Ambry Variant Classification Scheme 2023. Collection method: clinical testing. Allele origin: germline.

Eurofins Ntd Llc (ga)
Classification: Uncertain significance. Last evaluated: 2018-08-31. Review status: criteria provided, single submitter. Criteria: EGL ClinVar v180209 classification definitions. Collection method: clinical testing. Allele origin: germline. Observed: 1 variant allele, 1 heterozygote.

Labcorp Genetics (formerly Invitae), Labcorp
Classification: Uncertain significance for Dilated cardiomyopathy 1G; Autosomal recessive limb-girdle muscular dystrophy type 2J. Last evaluated: 2017-05-23. Review status: criteria provided, single submitter. Criteria: Invitae Variant Classification Sherloc (09022015). Collection method: clinical testing. Allele origin: germline.

Clinical Genetics DNA and cytogenetics Diagnostics Lab, Erasmus MC, Erasmus Medical Center
Classification: Uncertain significance. Review status: no assertion criteria provided. Collection method: clinical testing. Allele origin: germline. Affected: yes. Study: VKGL Data-share Consensus. Not counted in ClinVar's aggregate classification.

Clinical Genetics, Academic Medical Center
Classification: Uncertain significance. Review status: no assertion criteria provided. Collection method: clinical testing. Allele origin: germline. Affected: yes. Study: VKGL Data-share Consensus. Not counted in ClinVar's aggregate classification.

Diagnostic Laboratory, Department of Genetics, University Medical Center Groningen
Classification: Uncertain significance. Review status: no assertion criteria provided. Collection method: clinical testing. Allele origin: germline. Affected: yes. Study: VKGL Data-share Consensus. Not counted in ClinVar's aggregate classification.

Literature cited by the submitters: PubMed 23396983 (cited by Women's Health and Genetics/Laboratory Corporation of America, LabCorp and Ambry Genetics); PubMed 29961767 (cited by Women's Health and Genetics/Laboratory Corporation of America, LabCorp); PubMed 31983221 (cited by Women's Health and Genetics/Laboratory Corporation of America, LabCorp); PubMed 23861362 (cited by Ambry Genetics).